The following is an entry in ClinVar:

NM_025132.4(WDR19):c.3668G>C (p.Arg1223Pro)

Gene: WDR19 (WD repeat domain 19; plus strand). Cytogenetic location: 4p14.
Variant type: single nucleotide variant.
Coding change: c.3668G>C on transcript NM_025132.4 (MANE Select); coding-DNA position 3668, G replaced by C.
Protein change: p.Arg1223Pro; replaces arginine 1223 with proline.
Molecular consequence: missense variant.
Genome position (GRCh38, 1-based): chr4:39,274,910, G>C. VCF-style: chr4-39274910-G-C. GRCh37 (hg19) VCF-style: chr4-39276530-G-C.
Other names: c.3188G>C, p.Arg1063Pro (NM_001317924.2); short protein forms R1063P, R1223P.
Identifiers: ClinVar variation 2140923 (VCV002140923.4), dbSNP rs115335610, ClinGen allele CA356650330.

ClinVar aggregate classification (germline): Uncertain significance (1 of 4 stars; one submission).

Conditions:
Senior-Loken syndrome 8 (SLSN8). Identifiers: Orphanet 3156, MedGen C4225376, MONDO:0014579, OMIM 616307.
Asphyxiating thoracic dystrophy 5 (SRTD5). Also called: SHORT-RIB THORACIC DYSPLASIA 5 WITHOUT POLYDACTYLY; SHORT-RIB THORACIC DYSPLASIA 5 WITH OR WITHOUT POLYDACTYLY. Identifiers: Orphanet 474, MedGen C3280598, MONDO:0013717, OMIM 614376.

gnomAD v4.1: 1 of 1,614,014 alleles (0.000062%); highest among the groups gnomAD compares: Non-Finnish European, 0.000085%; no homozygotes.

Submission:

Labcorp Genetics (formerly Invitae), Labcorp
Classification: Uncertain significance for Senior-Loken syndrome 8; Asphyxiating thoracic dystrophy 5. Last evaluated: 2023-12-07. Review status: criteria provided, single submitter. Criteria: Invitae Variant Classification Sherloc (09022015). Collection method: clinical testing. Allele origin: germline.
Comment: This sequence change replaces arginine, which is basic and polar, with proline, which is neutral and non-polar, at codon 1223 of the WDR19 protein (p.Arg1223Pro). This variant is present in population databases (no rsID available, gnomAD 0.0009%). This variant has not been reported in the literature in individuals affected with WDR19-related conditions. ClinVar contains an entry for this variant (Variation ID: 2140923). Advanced modeling of protein sequence and biophysical properties (such as structural, functional, and spatial information, amino acid conservation, physicochemical variation, residue mobility, and thermodynamic stability) has been performed at Invitae for this missense variant, however the output from this modeling did not meet the statistical confidence thresholds required to predict the impact of this variant on WDR19 protein function. In summary, the available evidence is currently insufficient to determine the role of this variant in disease. Therefore, it has been classified as a Variant of Uncertain Significance.